The following is an entry in ClinVar:

NM_001126121.2(SLC25A19):c.570_571delinsTA (p.Leu191Met)

Gene: SLC25A19 (solute carrier family 25 member 19; minus strand). Cytogenetic location: 17q25.1.
Variant type: Indel.
Coding change: c.570_571delinsTA on transcript NM_001126121.2 (MANE Select); coding-DNA positions 570 to 571, GC replaced by TA.
Protein change: p.Leu191Met; replaces leucine 191 with methionine.
Molecular consequence: missense variant.
Genome position (GRCh38, 1-based): chr17:75,278,224-75,278,225, GC replaced by TA on the plus strand (GC replaced by TA on the coding strand, the reverse complement: SLC25A19 is on the minus strand). VCF-style: chr17-75278224-GC-TA. GRCh37 (hg19) VCF-style: chr17-73274305-GC-TA.
Other names: c.570_571delinsTA, p.Leu191Met (NM_001126122.2, NM_021734.5); short protein forms L191M.
Identifiers: ClinVar variation 4719526 (VCV004719526.1).

ClinVar aggregate classification (germline): Uncertain significance (1 of 4 stars; one submission).

Submission:

Labcorp Genetics (formerly Invitae), Labcorp
Classification: Uncertain significance. Last evaluated: 2025-05-19. Review status: criteria provided, single submitter. Criteria: Invitae Variant Classification Sherloc (09022015). Collection method: clinical testing. Allele origin: germline.
Comment: This sequence change replaces leucine, which is neutral and non-polar, with methionine, which is neutral and non-polar, at codon 191 of the SLC25A19 protein (p.Leu191Met). Information on the frequency of this variant in the gnomAD database is not available, as this variant may be reported differently in the database. This variant has not been reported in the literature in individuals affected with SLC25A19-related conditions. Experimental studies and prediction algorithms are not available or were not evaluated, and the functional significance of this variant is currently unknown. In summary, the available evidence is currently insufficient to determine the role of this variant in disease. Therefore, it has been classified as a Variant of Uncertain Significance.